The following is an entry in ClinVar:

ClinVar aggregate classification (germline): Conflicting classifications of pathogenicity. Review status: criteria provided, conflicting classifications (1 of 4 stars). 5 submissions from 5 submitters: Uncertain significance (4); Likely benign (1). Last evaluated 2025-09-30.

Conditions:
YARS1-related disorder. Also called: YARS1-related condition.
Inborn genetic diseases. Identifiers: MedGen C0950123, MeSH D030342.
Charcot-Marie-Tooth disease dominant intermediate C (CMTDIC). Also called: CHARCOT-MARIE-TOOTH NEUROPATHY, DOMINANT INTERMEDIATE C. Identifiers: Orphanet 100045, MedGen C1842237, MONDO:0012012, OMIM 608323.

Allele frequency attached by ClinVar (database versions not stated): gnomAD 0.00003 and 0.00004; gnomAD exomes 0.00004; TOPMed 0.00004; ExAC 0.00005; ESP Exome Variant Server 0.00008.
gnomAD v4.1: 75 of 1,614,132 alleles (0.0046%); highest among the groups gnomAD compares: Non-Finnish European, 0.0061%; no homozygotes.

Submissions (5):

PreventionGenetics, part of Exact Sciences
Classification: Uncertain significance for YARS1-related condition. Last evaluated: 2025-09-30. Review status: criteria provided, single submitter. Criteria: ACMG Guidelines, 2015. Collection method: clinical testing. Allele origin: germline.
Comment: The YARS1 c.1435G>A variant is predicted to result in the amino acid substitution p.Glu479Lys. To our knowledge, this variant has not been reported in the literature. This variant is reported in 0.0085% of alleles in individuals of European (non-Finnish) descent in gnomAD. At this time, the clinical significance of this variant is uncertain due to the absence of conclusive functional and genetic evidence.

Labcorp Genetics (formerly Invitae), Labcorp
Classification: Uncertain significance for Charcot-Marie-Tooth disease dominant intermediate C. Last evaluated: 2025-08-05. Review status: criteria provided, single submitter. Criteria: Invitae Variant Classification Sherloc (09022015). Collection method: clinical testing. Allele origin: germline.
Comment: This sequence change replaces glutamic acid, which is acidic and polar, with lysine, which is basic and polar, at codon 479 of the YARS protein (p.Glu479Lys). This variant is present in population databases (rs142142194, gnomAD 0.007%). This variant has not been reported in the literature in individuals affected with YARS-related conditions. ClinVar contains an entry for this variant (Variation ID: 854032). Invitae Evidence Modeling of protein sequence and biophysical properties (such as structural, functional, and spatial information, amino acid conservation, physicochemical variation, residue mobility, and thermodynamic stability) indicates that this missense variant is not expected to disrupt YARS protein function with a negative predictive value of 80%. In summary, the available evidence is currently insufficient to determine the role of this variant in disease. Therefore, it has been classified as a Variant of Uncertain Significance.

Mayo Clinic Laboratories, Mayo Clinic
Classification: Uncertain significance. Last evaluated: 2024-12-05. Review status: criteria provided, single submitter. Criteria: ACMG Guidelines, 2015. Collection method: clinical testing. Allele origin: germline. Observed: 1 variant allele.
Comment: BP4_moderate

GeneDx
Classification: Uncertain significance. Last evaluated: 2022-09-16. Review status: criteria provided, single submitter. Criteria: GeneDx Variant Classification Process June 2021. Collection method: clinical testing. Allele origin: germline. Affected: yes.
Comment: In silico analysis supports that this missense variant does not alter protein structure/function; Has not been previously published as pathogenic or benign to our knowledge; This variant is associated with the following publications: (PMID: 16429158)

Ambry Genetics
Classification: Likely benign for Inborn genetic diseases. Last evaluated: 2019-09-27. Review status: criteria provided, single submitter. Criteria: Ambry Variant Classification Scheme 2023. Collection method: clinical testing. Allele origin: germline.

NM_003680.4(YARS1):c.1435G>A (p.Glu479Lys)

Gene: YARS1 (tyrosyl-tRNA synthetase 1; minus strand). Cytogenetic location: 1p35.1.
Variant type: single nucleotide variant.
Coding change: c.1435G>A on transcript NM_003680.4 (MANE Select); coding-DNA position 1435, G replaced by A.
Protein change: p.Glu479Lys; replaces glutamic acid 479 with lysine.
Molecular consequence: missense variant.
Genome position (GRCh38, 1-based): chr1:32,779,423, C>T on the plus strand (G>A on the coding strand, the complement: YARS1 is on the minus strand). VCF-style: chr1-32779423-C-T. GRCh37 (hg19) VCF-style: chr1-33245024-C-T.
Other names: p.Glu479Lys; short protein forms E479K.
Identifiers: ClinVar variation 854032 (VCV000854032.12), dbSNP rs142142194, ClinGen allele CA744896.
Genomic context (GRCh38, chr1:32,779,423, plus strand): 5'-AACAATTACAGCTTTTTACCTGCAACTTCTCGAAGACTTTCTTCTTGGGCTTGAGCTCCT[C>T]ATCTGGTTGGCCCTTTTCATAGCCCTTCACAAACACGTGCTCACCAGGAGCAGAGCCTGC-3'
Protein context (NP_003671.1, residues 469-489): VKGYEKGQPD[Glu479Lys]ELKPKKKVFE